The following is an entry in ClinVar:

NM_004336.5(BUB1):c.2357T>C (p.Leu786Pro)

Gene: BUB1 (BUB1 mitotic checkpoint serine/threonine kinase; minus strand). Cytogenetic location: 2q13.
Variant type: single nucleotide variant.
Coding change: c.2357T>C on transcript NM_004336.5 (MANE Select); coding-DNA position 2357, T replaced by C.
Protein change: p.Leu786Pro; replaces leucine 786 with proline.
Molecular consequence: missense variant.
Genome position (GRCh38, 1-based): chr2:110,642,225, A>G on the plus strand (T>C on the coding strand, the complement: BUB1 is on the minus strand). VCF-style: chr2-110642225-A-G. GRCh37 (hg19) VCF-style: chr2-111399802-A-G.
Other names: c.2297T>C, p.Leu766Pro (NM_001278616.2); c.2357T>C, p.Leu786Pro (NM_001278617.2); short protein forms L786P, L766P.
Identifiers: ClinVar variation 3262125 (VCV003262125.1).

ClinVar aggregate classification (germline): Uncertain significance (1 of 4 stars; one submission).

Submission:

Ambry Genetics
Classification: Uncertain significance. Last evaluated: 2024-03-17. Review status: criteria provided, single submitter. Criteria: Ambry Variant Classification Scheme 2023. Collection method: clinical testing. Allele origin: germline.
Comment: The p.L786P variant (also known as c.2357T>C), located in coding exon 20 of the BUB1 gene, results from a T to C substitution at nucleotide position 2357. The leucine at codon 786 is replaced by proline, an amino acid with similar properties. This amino acid position is conserved. In addition, this alteration is predicted to be tolerated by in silico analysis. Based on the available evidence, the clinical significance of this alteration remains unclear.